The following is an entry in ClinVar:

NM_002335.4(LRP5):c.2873G>A (p.Arg958Gln)

Gene: LRP5 (LDL receptor related protein 5; plus strand). Cytogenetic location: 11q13.2.
Variant type: single nucleotide variant.
Coding change: c.2873G>A on transcript NM_002335.4 (MANE Select); coding-DNA position 2873, G replaced by A.
Protein change: p.Arg958Gln; replaces arginine 958 with glutamine.
Molecular consequence: missense variant.
Genome position (GRCh38, 1-based): chr11:68,416,373, G>A. VCF-style: chr11-68416373-G-A. GRCh37 (hg19) VCF-style: chr11-68183841-G-A.
Other names: c.2873G>A (NM_002335.3); c.1130G>A, p.Arg377Gln (NM_001291902.2); short protein forms R958Q, R377Q.
Identifiers: ClinVar variation 1043195 (VCV001043195.8), dbSNP rs765665314, ClinGen allele CA6149779.

ClinVar aggregate classification (germline): Uncertain significance. Review status: criteria provided, multiple submitters, no conflicts (2 of 4 stars). 3 submissions from 3 submitters: Uncertain significance (3). Last evaluated 2026-07-22.

Conditions:
Osteoporosis with pseudoglioma (OPPG). Also called: osteoporosis-pseudoglioma syndrome. Identifiers: Orphanet 2788, MedGen C0432252, MONDO:0009820, OMIM 259770.
Polycystic liver disease 4 with or without kidney cysts. Identifiers: MedGen C4693479, MONDO:0044327, OMIM 617875.
Autosomal dominant osteopetrosis 1 (OPTA1). Also called: OSTEOPETROSIS, AUTOSOMAL DOMINANT, TYPE I. Identifiers: Orphanet 2783, MedGen C1843330, MONDO:0011877, OMIM 607634.
Exudative vitreoretinopathy 4 (EVR4). Identifiers: Orphanet 891, MedGen C1866176, MONDO:0011151, OMIM 601813.
Worth disease. Also called: Autosomal dominant osteosclerosis, Worth type; ENDOSTEAL HYPEROSTOSIS, AUTOSOMAL DOMINANT; OSTEOSCLEROSIS, AUTOSOMAL DOMINANT. Identifiers: Orphanet 2790, MedGen C0432273, MONDO:0007764, OMIM 144750.
Bone mineral density quantitative trait locus 1 (BMND1). Identifiers: MedGen C1866079, OMIM 601884.
LRP5-related disorder. Also called: LRP5-related condition.

Allele frequency attached by ClinVar (database versions not stated): ExAC 0.00001; gnomAD 0.00002; gnomAD exomes 0.00003; TOPMed 0.00006.
gnomAD v4.1: 41 of 1,614,034 alleles (0.0025%); highest among the groups gnomAD compares: Admixed American, 0.0083%; no homozygotes.

Submissions (3):

PreventionGenetics, part of Exact Sciences
Classification: Uncertain significance for LRP5-related condition. Last evaluated: 2026-07-22. Review status: criteria provided, single submitter. Criteria: ACMG Guidelines, 2015. Collection method: clinical testing. Allele origin: germline.
Comment: The LRP5 c.2873G>A variant is predicted to result in the amino acid substitution p.Arg958Gln. This variant has been reported as a variant of uncertain significance in an individual with retinal disease (Table S1, Lin et al. 2024. PubMed ID: 38219857). This variant is present in 0.0085% of alleles in individuals of Latino descent in gnomAD. At this time, the clinical significance of this variant is uncertain due to the absence of conclusive functional and genetic evidence.

Labcorp Genetics (formerly Invitae), Labcorp
Classification: Uncertain significance. Last evaluated: 2025-08-16. Review status: criteria provided, single submitter. Criteria: Invitae Variant Classification Sherloc (09022015). Collection method: clinical testing. Allele origin: germline.
Comment: This sequence change replaces arginine, which is basic and polar, with glutamine, which is neutral and polar, at codon 958 of the LRP5 protein (p.Arg958Gln). This variant is present in population databases (rs765665314, gnomAD 0.009%). This missense change has been observed in individual(s) with inherited retinal disease (PMID: 38219857). ClinVar contains an entry for this variant (Variation ID: 1043195). Invitae Evidence Modeling of protein sequence and biophysical properties (such as structural, functional, and spatial information, amino acid conservation, physicochemical variation, residue mobility, and thermodynamic stability) indicates that this missense variant is expected to disrupt LRP5 protein function with a positive predictive value of 80%. This variant disrupts the p.Arg958 amino acid residue in LRP5. Other variant(s) that disrupt this residue have been determined to be pathogenic (PMID: 30452590, 31169861). This suggests that this residue is clinically significant, and that variants that disrupt this residue are likely to be disease-causing. In summary, the available evidence is currently insufficient to determine the role of this variant in disease. Therefore, it has been classified as a Variant of Uncertain Significance.

Fulgent Genetics
Classification: Uncertain significance for Worth disease; Osteoporosis with pseudoglioma; Exudative vitreoretinopathy 4; Bone mineral density quantitative trait locus 1; Autosomal dominant osteopetrosis 1; Polycystic liver disease 4 with or without kidney cysts. Last evaluated: 2024-03-27. Review status: criteria provided, single submitter. Criteria: ACMG Guidelines, 2015. Collection method: clinical testing. Allele origin: germline.

Literature cited by the submitters: PubMed 38219857 (cited by Labcorp Genetics (formerly Invitae), Labcorp); PubMed 30452590 (cited by Labcorp Genetics (formerly Invitae), Labcorp); PubMed 31169861 (cited by Labcorp Genetics (formerly Invitae), Labcorp).